The following is an entry in ClinVar:

ClinVar aggregate classification (germline): Pathogenic/Likely pathogenic. Review status: criteria provided, multiple submitters, no conflicts (2 of 4 stars). 5 submissions from 5 submitters: Pathogenic (4); Likely pathogenic (1). Last evaluated 2024-03-02.

Conditions:
Merosin deficient congenital muscular dystrophy (MDC1A). Also called: Congenital merosin-deficient muscular dystrophy 1A; Congenital Muscular Dystrophy Type 1A (MDC1A). Identifiers: Orphanet 258, MedGen C1263858, MONDO:0011925, OMIM 607855.
Congenital muscular dystrophy due to partial LAMA2 deficiency. Identifiers: MedGen C1842898.
Muscular dystrophy, limb-girdle, autosomal recessive 23. Identifiers: Orphanet 565837, MedGen C4748327, MONDO:0029136, OMIM 618138.
LAMA2-related muscular dystrophy (LAMA2-RD). Also called: Laminin alpha 2-related dystrophy. Identifiers: MedGen C5679788, MONDO:0100228.

Submissions (5):

Fulgent Genetics
Classification: Pathogenic for Merosin deficient congenital muscular dystrophy; Muscular dystrophy, limb-girdle, autosomal recessive 23. Last evaluated: 2024-03-02. Review status: criteria provided, single submitter. Criteria: ACMG Guidelines, 2015. Collection method: clinical testing. Allele origin: germline.

Baylor Genetics
Classification: Pathogenic for Merosin deficient congenital muscular dystrophy. Last evaluated: 2023-06-07. Review status: criteria provided, single submitter. Criteria: ACMG Guidelines, 2015. Collection method: clinical testing. Allele origin: unknown.

Labcorp Genetics (formerly Invitae), Labcorp
Classification: Pathogenic for LAMA2-related muscular dystrophy. Last evaluated: 2022-10-03. Review status: criteria provided, single submitter. Criteria: Invitae Variant Classification Sherloc (09022015). Collection method: clinical testing. Allele origin: germline.
Comment: For these reasons, this variant has been classified as Pathogenic. ClinVar contains an entry for this variant (Variation ID: 631972). This premature translational stop signal has been observed in individuals with autosomal recessive congenital muscular dystrophy (PMID: 20207543, 30301903). This variant is not present in population databases (gnomAD no frequency). This sequence change creates a premature translational stop signal (p.Glu1764Glyfs*3) in the LAMA2 gene. It is expected to result in an absent or disrupted protein product. Loss-of-function variants in LAMA2 are known to be pathogenic (PMID: 18700894, 32904964).

Mendelics
Classification: Pathogenic for Merosin deficient congenital muscular dystrophy. Last evaluated: 2022-05-04. Review status: criteria provided, single submitter. Criteria: Mendelics Assertion Criteria 2019. Collection method: clinical testing. Allele origin: germline.

Illumina Laboratory Services, Illumina
Classification: Likely pathogenic for Congenital muscular dystrophy due to partial LAMA2 deficiency. Last evaluated: 2018-12-10. Review status: criteria provided, single submitter. Criteria: ICSL Variant Classification Criteria 09 May 2019. Collection method: clinical testing. Allele origin: germline.
Comment: The LAMA2 c.5290dupG (p.Glu1764GlyfsTer3) variant results in a frameshift and is predicted to result in premature termination of the protein. It has been reported in two unrelated individuals with congenital muscular dystrophy, including in one in a homozygous state and in one in a compound heterozygous state (Geranmayeh et al. 2010; Ge et al. 2018). Control data are unavailable for this variant and the variant is not found in the 1000 Genomes Project, the Exome Sequencing Project, Exome Aggregation Consortium, or the Genome Aggregation Database. Based on the evidence and the potential impact of frameshift variants, the p.Glu1764GlyfsTer3 variant is classified as likely pathogenic for LAMA2-related congenital muscular dystrophy. This variant was observed by ICSL as part of a predisposition screen in an ostensibly healthy population.

Literature cited by the submitters: PubMed 20207543 (cited by Labcorp Genetics (formerly Invitae), Labcorp and Illumina Laboratory Services, Illumina); PubMed 30301903 (cited by Labcorp Genetics (formerly Invitae), Labcorp and Illumina Laboratory Services, Illumina); PubMed 18700894 (cited by Labcorp Genetics (formerly Invitae), Labcorp); PubMed 32904964 (cited by Labcorp Genetics (formerly Invitae), Labcorp).

NM_000426.4(LAMA2):c.5290dup (p.Glu1764fs)

Gene: LAMA2 (laminin subunit alpha 2; plus strand). Cytogenetic location: 6q22.33.
Variant type: Duplication.
Coding change: c.5290dup on transcript NM_000426.4 (MANE Select); coding-DNA position 5290, one base duplicated (G; older notation c.5290dupG).
Protein change: p.Glu1764fs; shifts the reading frame from glutamic acid 1764.
Molecular consequence: frameshift variant.
Genome position (GRCh38, 1-based): chr6:129,393,100, G duplicated; the last of 6 consecutive G bases (chr6:129,393,095-129,393,100); duplicating any one gives the same sequence. VCF-style (leftmost placement, unchanged base first): chr6-129393094-C-CG. GRCh37 (hg19) VCF-style: chr6-129714239-C-CG.
Other names: c.5290dup, p.Glu1764fs (NM_001079823.2); c.5290dupG (NM_000426.3); short protein forms E1764fs.
Identifiers: ClinVar variation 631972 (VCV000631972.19), dbSNP rs1415944134, ClinGen allele CA913189383.